The following is an entry in ClinVar:

NM_001035.3(RYR2):c.5299A>T (p.Ser1767Cys)

Gene: RYR2 (ryanodine receptor 2; plus strand). Cytogenetic location: 1q43.
Variant type: single nucleotide variant.
Coding change: c.5299A>T on transcript NM_001035.3 (MANE Select); coding-DNA position 5299, A replaced by T.
Protein change: p.Ser1767Cys; replaces serine 1767 with cysteine.
Molecular consequence: missense variant.
Genome position (GRCh38, 1-based): chr1:237,614,427, A>T. VCF-style: chr1-237614427-A-T. GRCh37 (hg19) VCF-style: chr1-237777727-A-T.
Other names: short protein forms S1767C.
Identifiers: ClinVar variation 1332244 (VCV001332244.3), dbSNP rs751819202, ClinGen allele CA345404723.
Genomic context (GRCh38, chr1:237,614,427, plus strand): 5'-GGCCTTCCAGGGATCGGCCTCAGCACCTCCCTCAGGCCACGGATGCAGTTTTCCTCCCCC[A>T]GTTTTGTAAGCATTAGTAATGAATGTTACCAGTACAGTCCAGAGTTCCCACTGGACATCC-3'
Protein context (NP_001026.2, residues 1757-1777): LRPRMQFSSP[Ser1767Cys]FVSISNECYQ

ClinVar aggregate classification (germline): Uncertain significance (1 of 4 stars; one submission).

Conditions:
Cardiomyopathy (CMYO). Also called: Cardiomyopathies. Identifiers: Orphanet 167848, MedGen C0878544, MONDO:0004994, HP:0001638. Inheritance: Various modes of inheritance.

Submission:

Color Diagnostics, LLC DBA Color Health
Classification: Uncertain significance for Cardiomyopathy. Last evaluated: 2024-03-07. Review status: criteria provided, single submitter. Criteria: ACMG Guidelines, 2015. Collection method: clinical testing. Allele origin: germline.
Comment: This missense variant replaces serine with cysteine at codon 1767 of the RYR2 protein. Computational prediction suggests that this variant may not impact protein structure and function (internally defined REVEL score threshold <= 0.5, PMID: 27666373). To our knowledge, functional studies have not been reported for this variant. This variant has not been reported in individuals affected with cardiovascular disorders in the literature. This variant has not been identified in the general population by the Genome Aggregation Database (gnomAD). The available evidence is insufficient to determine the role of this variant in disease conclusively. Therefore, this variant is classified as a Variant of Uncertain Significance.